The following is an entry in ClinVar:

NM_001141945.3(ACTA2):c.-24+1440C>T

Genes: ACTA2 (actin alpha 2, smooth muscle; minus strand), FAS (Fas cell surface death receptor; plus strand), LOC130004293 (ATAC-STARR-seq lymphoblastoid silent region 2590; plus strand). Cytogenetic location: 10q23.31.
Variant type: single nucleotide variant.
Coding change: c.-24+1440C>T on transcript NM_001141945.3; 1440 bases into the intron after 24 bases upstream of the start codon, C replaced by T.
Molecular consequence: intron variant.
Genome position (GRCh38, 1-based): chr10:88,989,499, G>A on the plus strand (C>T on the coding strand, the complement: ACTA2 is on the minus strand). VCF-style: chr10-88989499-G-A. GRCh37 (hg19) VCF-style: chr10-90749256-G-A.
Other names: -1377G-A; c.-24+1523C>T (NM_001406467.1, NM_001320855.2); c.-182+1523C>T (NM_001406462.1); c.-24+1440C>T (NM_001406468.1, NM_001406471.1); c.-182+1440C>T (NM_001406463.1).
Identifiers: ClinVar variation 16517 (VCV000016517.6), dbSNP rs2234767, ClinGen allele CA006873.

ClinVar aggregate classification (germline): Benign. Review status: criteria provided, single submitter (1 of 4 stars). 2 submissions from 2 submitters: Benign (1). 1 of the submissions does not count toward it. Last evaluated 2024-01-24.

Conditions:
LUNG CANCER, SUSCEPTIBILITY TO.

Allele frequency attached by ClinVar (database versions not stated): ESP Exome Variant Server 0.09784; gnomAD 0.10602 and 0.11391; gnomAD exomes 0.14154 and 0.15064; ExAC 0.14751; 1000 Genomes Project 30x 0.17786; 1000 Genomes Project 0.18411; TOPMed 0.11168.
gnomAD v4.1: 72,620 of 543,676 alleles (13%); highest among the groups gnomAD compares: East Asian, 42%; 6,468 homozygotes.

Submissions (2):

Unidad de Genómica Garrahan, Hospital de Pediatría Garrahan
Classification: Benign. Last evaluated: 2024-01-24. Review status: criteria provided, single submitter. Criteria: ACMG Guidelines, 2015. Collection method: clinical testing. Allele origin: germline. Affected: no. Observed: 31 variant alleles.
Comment: This variant is classified as Benign based on local population frequency. This variant was detected in 33% of patients studied by a panel of primary immunodeficiencies. Number of patients: 31. Only high quality variants are reported.

OMIM
Classification: risk factor for LUNG CANCER, SUSCEPTIBILITY TO. Last evaluated: 2005-06-01. Review status: no assertion criteria provided. Collection method: literature only. Allele origin: germline. Not counted in ClinVar's aggregate classification.

Literature cited by the submitters: PubMed 15937082 (cited by OMIM).